The following is an entry in ClinVar:

NM_001875.5(CPS1):c.2786G>A (p.Arg929Lys)

Gene: CPS1 (carbamoyl-phosphate synthase 1; plus strand). Cytogenetic location: 2q34.
Variant type: single nucleotide variant.
Coding change: c.2786G>A on transcript NM_001875.5 (MANE Select); coding-DNA position 2786, G replaced by A.
Protein change: p.Arg929Lys; replaces arginine 929 with lysine.
Molecular consequence: missense variant. On other transcripts: non-coding transcript variant (2).
Genome position (GRCh38, 1-based): chr2:210,637,800, G>A. VCF-style: chr2-210637800-G-A. GRCh37 (hg19) VCF-style: chr2-211502524-G-A.
Other names: c.2786G>A, p.Arg929Lys (NM_001122633.3, NM_001369257.1); c.2819G>A, p.Arg940Lys (NM_001369256.1); short protein forms R929K, R940K.
Identifiers: ClinVar variation 1442788 (VCV001442788.4), dbSNP rs748045437, ClinGen allele CA2086744.

ClinVar aggregate classification (germline): Uncertain significance (1 of 4 stars; one submission).

Conditions:
Congenital hyperammonemia, type I. Also called: Carbamoyl phosphate synthetase I deficiency disease; Carbamoyl-phosphate synthase I deficiency; Carbamoyl phosphate synthetase 1 deficiency; Hyperammonemia due to carbamoyl phosphate synthetase 1 deficiency; CPS 1 deficiency; Carbamyl phosphate synthetase (CPS) deficiency. Identifiers: Orphanet 147, MedGen C4082171, MONDO:0009376, OMIM 237300.

Allele frequency attached by ClinVar (database versions not stated): gnomAD exomes 0.00002 and 0.00004; TOPMed 0.00002; ExAC 0.00005.
gnomAD v4.1: 10 of 1,613,928 alleles (0.00062%); highest among the groups gnomAD compares: Admixed American, 0.017%; no homozygotes.

Submission:

Labcorp Genetics (formerly Invitae), Labcorp
Classification: Uncertain significance for Congenital hyperammonemia, type I. Last evaluated: 2025-10-01. Review status: criteria provided, single submitter. Criteria: Invitae Variant Classification Sherloc (09022015). Collection method: clinical testing. Allele origin: germline.
Comment: This sequence change replaces arginine, which is basic and polar, with lysine, which is basic and polar, at codon 929 of the CPS1 protein (p.Arg929Lys). This variant is present in population databases (rs748045437, gnomAD 0.04%). This variant has not been reported in the literature in individuals affected with CPS1-related conditions. ClinVar contains an entry for this variant (Variation ID: 1442788). Invitae Evidence Modeling of protein sequence and biophysical properties (such as structural, functional, and spatial information, amino acid conservation, physicochemical variation, residue mobility, and thermodynamic stability) has been performed for this missense variant. However, the output from this modeling did not meet the statistical confidence thresholds required to predict the impact of this variant on CPS1 protein function. In summary, the available evidence is currently insufficient to determine the role of this variant in disease. Therefore, it has been classified as a Variant of Uncertain Significance.